The following is an entry in ClinVar:

ClinVar aggregate classification (germline): Uncertain significance (1 of 4 stars; one submission).

Conditions:
Autosomal dominant polycystic kidney disease. Identifiers: Orphanet 730, MedGen C0085413, MONDO:0004691.

Submission:

Labcorp Genetics (formerly Invitae), Labcorp
Classification: Uncertain significance for Autosomal dominant polycystic kidney disease. Last evaluated: 2025-06-12. Review status: criteria provided, single submitter. Criteria: Invitae Variant Classification Sherloc (09022015). Collection method: clinical testing. Allele origin: germline.
Comment: This variant, c.2632_2634del, results in the deletion of 1 amino acid(s) of the PKD2 protein (p.Arg878del), but otherwise preserves the integrity of the reading frame. This variant is not present in population databases (gnomAD no frequency). This variant has been observed in individual(s) with polycystic kidney disease (PMID: 17582161). Experimental studies and prediction algorithms are not available or were not evaluated, and the functional significance of this variant is currently unknown. In summary, the available evidence is currently insufficient to determine the role of this variant in disease. Therefore, it has been classified as a Variant of Uncertain Significance.

Literature cited by the submitters: PubMed 17582161.

NM_000297.4(PKD2):c.2629AGG[1] (p.Arg878del)

Gene: PKD2 (polycystin 2, transient receptor potential cation channel; plus strand). Cytogenetic location: 4q22.1.
Variant type: Microsatellite.
Coding change: c.2629AGG[1] on transcript NM_000297.4 (MANE Select); one copy of the 3-base unit AGG starting at c.2629; the reference has two copies in a row; one copy, 3 bases deleted.
Protein change: p.Arg878del; deletes arginine 878.
Molecular consequence: inframe deletion. On other transcripts: non-coding transcript variant (1).
Genome position (GRCh38, 1-based): chr4:88,074,921-88,074,923, AGG deleted; deleting any 3 consecutive bases within chr4:88,074,917-88,074,923 gives the same sequence; the position shown is the placement nearest the transcript's 3' end. VCF-style (leftmost placement, unchanged base first): chr4-88074916-AGAG-A. GRCh37 (hg19) VCF-style: chr4-88996068-AGAG-A.
Other names: short protein forms R878del.
Identifiers: ClinVar variation 1903288 (VCV001903288.5), dbSNP rs1721177446, ClinGen allele CA1474592368.